The following is an entry in ClinVar:

ClinVar aggregate classification (germline): Pathogenic. Review status: criteria provided, multiple submitters, no conflicts (2 of 4 stars). 2 submissions from 2 submitters: Pathogenic (2). Last evaluated 2025-10-15.

Conditions:
Hermansky-Pudlak syndrome (HPS). Also called: ALBINISM WITH HEMORRHAGIC DIATHESIS AND PIGMENTED RETICULOENDOTHELIAL CELLS. Identifiers: Orphanet 79430, MedGen C0079504, MONDO:0019312.

Allele frequency attached by ClinVar (database versions not stated): gnomAD exomes below 0.00001; TOPMed below 0.00001; ExAC 0.00001; gnomAD 0.00001.
gnomAD v4.1: 3 of 1,613,964 alleles (0.00019%); highest among the groups gnomAD compares: African/African-American, 0.0013%; no homozygotes.

Submissions (2):

Labcorp Genetics (formerly Invitae), Labcorp
Classification: Pathogenic. Last evaluated: 2025-10-15. Review status: criteria provided, single submitter. Criteria: Invitae Variant Classification Sherloc (09022015). Collection method: clinical testing. Allele origin: germline.
Comment: This sequence change creates a premature translational stop signal (p.Arg372*) in the HPS6 gene. While this is not anticipated to result in nonsense mediated decay, it is expected to disrupt the last 404 amino acid(s) of the HPS6 protein. This variant is present in population databases (rs776754431, gnomAD 0.0009%). This premature translational stop signal has been observed in individual(s) with Hermansky-Pudlak syndrome (PMID: 27641950). ClinVar contains an entry for this variant (Variation ID: 1368527). This variant disrupts a region of the HPS6 protein in which other variant(s) (p.Gln680*) have been determined to be pathogenic (PMID: 27225848). This suggests that this is a clinically significant region of the protein, and that variants that disrupt it are likely to be disease-causing. For these reasons, this variant has been classified as Pathogenic.

Women's Health and Genetics/Laboratory Corporation of America, LabCorp
Classification: Pathogenic for Hermansky-Pudlak syndrome. Last evaluated: 2024-10-10. Review status: criteria provided, single submitter. Criteria: LabCorp Variant Classification Summary - May 2015. Collection method: clinical testing. Allele origin: germline.
Comment: Variant summary: HPS6 c.1114C>T (p.Arg372X) results in a premature termination codon, predicted to cause a truncation of the encoded protein or absence of the protein due to nonsense mediated decay, which are commonly known mechanisms for disease. The variant allele was found at a frequency of 4e-06 in 250230 control chromosomes. c.1114C>T has been reported in the literature in a homozygous individual and a compound heterozygous individual affected with Hermansky-Pudlak Syndrome (O'Brien_2016, Zhou_2024). These data indicate that the variant may be associated with disease. To our knowledge, no experimental evidence demonstrating an impact on protein function has been reported. The following publications have been ascertained in the context of this evaluation (PMID: 27641950, 38091959). Multiple downstream truncating variants have been reported in individuals with Hermansky-Pudlak Syndrome and have been classified as pathogenic or likely pathogenic. ClinVar contains an entry for this variant (Variation ID: 1368527). Based on the evidence outlined above, the variant was classified as pathogenic.

Literature cited by the submitters: PubMed 27641950 (cited by Labcorp Genetics (formerly Invitae), Labcorp and Women's Health and Genetics/Laboratory Corporation of America, LabCorp); PubMed 27225848 (cited by Labcorp Genetics (formerly Invitae), Labcorp); PubMed 38091959 (cited by Women's Health and Genetics/Laboratory Corporation of America, LabCorp).

NM_024747.6(HPS6):c.1114C>T (p.Arg372Ter)

Gene: HPS6 (HPS6 biogenesis of lysosomal organelles complex 2 subunit 3; plus strand). Cytogenetic location: 10q24.32.
Variant type: single nucleotide variant.
Coding change: c.1114C>T on transcript NM_024747.6 (MANE Select); coding-DNA position 1114, C replaced by T.
Protein change: p.Arg372Ter; replaces arginine 372 with a stop codon.
Molecular consequence: nonsense.
Genome position (GRCh38, 1-based): chr10:102,066,588, C>T. VCF-style: chr10-102066588-C-T. GRCh37 (hg19) VCF-style: chr10-103826345-C-T.
Other names: short protein forms R372*.
Identifiers: ClinVar variation 1368527 (VCV001368527.9), dbSNP rs776754431, ClinGen allele CA5659922.